The following is an entry in ClinVar:

ClinVar aggregate classification (germline): Uncertain significance. Review status: criteria provided, multiple submitters, no conflicts (2 of 4 stars). 2 submissions from 2 submitters: Uncertain significance (2). Last evaluated 2023-03-28.

Conditions:
Familial isolated arrhythmogenic right ventricular dysplasia. Identifiers: Orphanet 217656, MedGen C4274968, MONDO:0016342.
Arrhythmogenic right ventricular dysplasia 11. Also called: Arrhythmogenic Right Ventricular Dysplasia/Cardiomyopathy11; ARRHYTHMOGENIC RIGHT VENTRICULAR DYSPLASIA, FAMILIAL, 11; Arrhythmogenic right ventricular dysplasia 11 with mild palmoplantar keratoderma and woolly hair. Identifiers: MedGen C1864850, MONDO:0012506, OMIM 610476.

Submissions (2):

All of Us Research Program, National Institutes of Health
Classification: Uncertain significance for Familial isolated arrhythmogenic right ventricular dysplasia. Last evaluated: 2023-03-28. Review status: criteria provided, single submitter. Criteria: ACMG Guidelines, 2015. Collection method: clinical testing. Allele origin: germline. Inheritance: Autosomal dominant inheritance. Observed: 1 variant allele, 1 heterozygote.
Comment: This study involves interpretation of variants in research participants for the purpose of population health screening. Participant phenotype was not available at the time of variant classification. Additional details can be found in publication PMID: 35346344, PMCID: PMC8962531

Labcorp Genetics (formerly Invitae), Labcorp
Classification: Uncertain significance for Arrhythmogenic right ventricular dysplasia 11. Last evaluated: 2022-03-14. Review status: criteria provided, single submitter. Criteria: Invitae Variant Classification Sherloc (09022015). Collection method: clinical testing. Allele origin: germline.
Comment: This sequence change replaces threonine, which is neutral and polar, with isoleucine, which is neutral and non-polar, at codon 489 of the DSC2 protein (p.Thr489Ile). This variant is not present in population databases (gnomAD no frequency). This variant has not been reported in the literature in individuals affected with DSC2-related conditions. Algorithms developed to predict the effect of missense changes on protein structure and function (SIFT, PolyPhen-2, Align-GVGD) all suggest that this variant is likely to be tolerated. In summary, the available evidence is currently insufficient to determine the role of this variant in disease. Therefore, it has been classified as a Variant of Uncertain Significance.

NM_024422.6(DSC2):c.1466C>T (p.Thr489Ile)

Gene: DSC2 (desmocollin 2; minus strand). Cytogenetic location: 18q12.1.
Variant type: single nucleotide variant.
Coding change: c.1466C>T on transcript NM_024422.6 (MANE Select); coding-DNA position 1466, C replaced by T.
Protein change: p.Thr489Ile; replaces threonine 489 with isoleucine.
Molecular consequence: missense variant.
Genome position (GRCh38, 1-based): chr18:31,080,150, G>A on the plus strand (C>T on the coding strand, the complement: DSC2 is on the minus strand). VCF-style: chr18-31080150-G-A. GRCh37 (hg19) VCF-style: chr18-28660116-G-A.
Other names: c.1037C>T, p.Thr346Ile (NM_001406506.1, NM_001406507.1); c.1466C>T, p.Thr489Ile (NM_004949.5); short protein forms T346I, T489I.
Identifiers: ClinVar variation 1965454 (VCV001965454.3), dbSNP rs2510946935, ClinGen allele CA402108439.